The following is an entry in ClinVar:

ClinVar aggregate classification (germline): Likely benign (0 of 4 stars; one submission).

Conditions:
DNAH17-related disorder. Also called: DNAH17-related condition.

Allele frequency attached by ClinVar (database versions not stated): ESP Exome Variant Server 0.00016; gnomAD exomes 0.00018; TOPMed 0.00019; ExAC 0.00023; gnomAD 0.00025; 1000 Genomes Project 0.00060; 1000 Genomes Project 30x 0.00062.
gnomAD v4.1: 300 of 1,609,054 alleles (0.019%); highest among the groups gnomAD compares: Middle Eastern, 0.1%; no homozygotes.

Submission:

PreventionGenetics, part of Exact Sciences
Classification: Likely benign for DNAH17-related condition. Last evaluated: 2019-10-28. Review status: no assertion criteria provided. Collection method: clinical testing. Allele origin: germline.
Comment: This variant is classified as likely benign based on ACMG/AMP sequence variant interpretation guidelines (Richards et al. 2015 PMID: 25741868, with internal and published modifications).

NM_173628.4(DNAH17):c.5922C>T (p.Val1974=)

Genes: DNAH17 (dynein axonemal heavy chain 17; minus strand), DNAH17-AS1 (DNAH17 antisense RNA 1; plus strand). Cytogenetic location: 17q25.3.
Variant type: single nucleotide variant.
Coding change: c.5922C>T on transcript NM_173628.4 (MANE Select); coding-DNA position 5922, C replaced by T.
Protein change: p.Val1974=; no amino-acid change (valine 1974 retained).
Molecular consequence: synonymous variant.
Genome position (GRCh38, 1-based): chr17:78,495,079, G>A on the plus strand (C>T on the coding strand, the complement: DNAH17 is on the minus strand). VCF-style: chr17-78495079-G-A. GRCh37 (hg19) VCF-style: chr17-76491161-G-A.
Identifiers: ClinVar variation 3040118 (VCV003040118.2), dbSNP rs181112892, ClinGen allele CA8802994.
Genomic context (GRCh38, chr17:78,495,079, plus strand): 5'-GCGGGCTTCCAGAAAGCCCTCGGCCATGAGCATGATCTCACATATCAGTTCGAAGTCGGG[G>A]ACGACCATGGCACAGGGCCTGGGGAGGTCAGCGGTGCCTGTGGGCTTCTGCCCACTCCCT-3'
Protein context (NP_775899.3, residues 1964-1984): KALFRPCAMV[Val1974=]PDFELICEIM